The following is an entry in ClinVar:

ClinVar aggregate classification (germline): Conflicting classifications of pathogenicity. Review status: criteria provided, conflicting classifications (1 of 4 stars). 3 submissions from 3 submitters: Uncertain significance (2); Likely benign (1). Last evaluated 2025-09-23.

Conditions:
Inborn genetic diseases. Identifiers: MedGen C0950123, MeSH D030342.
Charcot-Marie-Tooth disease dominant intermediate B (CMTDIB). Also called: CHARCOT-MARIE-TOOTH NEUROPATHY, DOMINANT INTERMEDIATE B; Charcot-Marie-Tooth disease dominant intermediate 1; CMT DI1; Charcot-Marie-Tooth disease dominant intermediate I. Identifiers: Orphanet 100044, Orphanet 228179, MedGen C1847902, MONDO:0011674, OMIM 606482.

Submissions (3):

Labcorp Genetics (formerly Invitae), Labcorp
Classification: Uncertain significance for Charcot-Marie-Tooth disease dominant intermediate B. Last evaluated: 2025-09-23. Review status: criteria provided, single submitter. Criteria: Invitae Variant Classification Sherloc (09022015). Collection method: clinical testing. Allele origin: germline.
Comment: This sequence change replaces leucine, which is neutral and non-polar, with isoleucine, which is neutral and non-polar, at codon 757 of the DNM2 protein (p.Leu757Ile). This variant is not present in population databases (gnomAD no frequency). This variant has not been reported in the literature in individuals affected with DNM2-related conditions. ClinVar contains an entry for this variant (Variation ID: 432564). Invitae Evidence Modeling of protein sequence and biophysical properties (such as structural, functional, and spatial information, amino acid conservation, physicochemical variation, residue mobility, and thermodynamic stability) indicates that this missense variant is not expected to disrupt DNM2 protein function with a negative predictive value of 95%. In summary, the available evidence is currently insufficient to determine the role of this variant in disease. Therefore, it has been classified as a Variant of Uncertain Significance.

Ambry Genetics
Classification: Uncertain significance for Inborn genetic diseases. Last evaluated: 2023-05-24. Review status: criteria provided, single submitter. Criteria: Ambry Variant Classification Scheme 2023. Collection method: clinical testing. Allele origin: germline.

GeneDx
Classification: Likely benign. Last evaluated: 2020-07-29. Review status: criteria provided, single submitter. Criteria: GeneDx Variant Classification Process June 2021. Collection method: clinical testing. Allele origin: germline. Affected: yes.

NM_001005361.3(DNM2):c.2269C>A (p.Leu757Ile)

Gene: DNM2 (dynamin 2; plus strand). Cytogenetic location: 19p13.2.
Variant type: single nucleotide variant.
Coding change: c.2269C>A on transcript NM_001005361.3 (MANE Select); coding-DNA position 2269, C replaced by A.
Protein change: p.Leu757Ile; replaces leucine 757 with isoleucine.
Molecular consequence: missense variant.
Genome position (GRCh38, 1-based): chr19:10,829,246, C>A. VCF-style: chr19-10829246-C-A. GRCh37 (hg19) VCF-style: chr19-10939922-C-A.
Other names: c.2269C>A, p.Leu757Ile (NM_001005360.3, NM_001190716.2); c.2257C>A, p.Leu753Ile (NM_001005362.3, NM_004945.4); short protein forms L757I, L753I.
Identifiers: ClinVar variation 432564 (VCV000432564.7), dbSNP rs375820696, ClinGen allele CA404043224.